The following is an entry in ClinVar:

NM_001395631.1(NBPF14):c.8839A>C (p.Arg2947=)

Gene: NBPF14 (NBPF member 14; minus strand). Cytogenetic location: 1q21.2.
Variant type: single nucleotide variant.
Coding change: c.8839A>C on transcript NM_001395631.1 (MANE Select); coding-DNA position 8839, A replaced by C.
Protein change: p.Arg2947=; no amino-acid change (arginine 2947 retained).
Molecular consequence: synonymous variant.
Genome position (GRCh38, 1-based): chr1:148,533,133, T>G on the plus strand (A>C on the coding strand, the complement: NBPF14 is on the minus strand). VCF-style: chr1-148533133-T-G. GRCh37 (hg19) VCF-style: chr1-148004676-T-G.
Other names: c.8332A>C, p.Arg2778= (NM_015383.2).
Identifiers: ClinVar variation 2639130 (VCV002639130.24), dbSNP rs147573398, ClinGen allele CA889001256.

ClinVar aggregate classification (germline): Likely benign (1 of 4 stars; one submission).

Allele frequency attached by ClinVar (database versions not stated): 1000 Genomes Project 0.00319; ESP Exome Variant Server 0.00540.

Submission:

CeGaT Center for Human Genetics Tuebingen
Classification: Likely benign. Last evaluated: 2022-03-01. Review status: criteria provided, single submitter. Criteria: CeGaT Center For Human Genetics Tuebingen Variant Classification Criteria Version 2. Collection method: clinical testing. Allele origin: germline. Affected: yes. Observed: 1 variant allele.
Comment: NBPF14: BP4, BP7